The following is an entry in ClinVar:

ClinVar aggregate classification (germline): Uncertain significance. Review status: criteria provided, multiple submitters, no conflicts (2 of 4 stars). 2 submissions from 2 submitters: Uncertain significance (2). Last evaluated 2025-10-25.

Conditions:
Aortic aneurysm, familial thoracic 7 (AAT7). Also called: AORTIC DISSECTION, FAMILIAL, WITH OR WITHOUT AORTIC ANEURYSM. Identifiers: MedGen C3151077, MONDO:0013418, OMIM 613780.

Allele frequency attached by ClinVar (database versions not stated): gnomAD exomes below 0.00001.
gnomAD v4.1: 7 of 1,613,824 alleles (0.00043%); highest among the groups gnomAD compares: Middle Eastern, 0.034%; no homozygotes.

Submissions (2):

Labcorp Genetics (formerly Invitae), Labcorp
Classification: Uncertain significance for Aortic aneurysm, familial thoracic 7. Last evaluated: 2025-10-25. Review status: criteria provided, single submitter. Criteria: Invitae Variant Classification Sherloc (09022015). Collection method: clinical testing. Allele origin: germline.
Comment: This sequence change affects codon 647 of the MYLK mRNA. It is a 'silent' change, meaning that it does not change the encoded amino acid sequence of the MYLK protein. It affects a nucleotide within the consensus splice site. This variant is present in population databases (no rsID available, gnomAD 0.0009%). This variant has not been reported in the literature in individuals affected with MYLK-related conditions. ClinVar contains an entry for this variant (Variation ID: 1176788). Algorithms developed to predict the effect of sequence changes on RNA splicing suggest that this variant may disrupt the consensus splice site. In summary, the available evidence is currently insufficient to determine the role of this variant in disease. Therefore, it has been classified as a Variant of Uncertain Significance.

CeGaT Center for Human Genetics Tuebingen
Classification: Uncertain significance. Last evaluated: 2021-07-01. Review status: criteria provided, single submitter. Criteria: CeGaT Center For Human Genetics Tuebingen Variant Classification Criteria Version 2. Collection method: clinical testing. Allele origin: germline. Affected: yes. Observed: 2 variant alleles.

NM_053025.4(MYLK):c.1941A>C (p.Ser647=)

Gene: MYLK (myosin light chain kinase; minus strand). Cytogenetic location: 3q21.1.
Variant type: single nucleotide variant.
Coding change: c.1941A>C on transcript NM_053025.4 (MANE Select); coding-DNA position 1941, A replaced by C.
Protein change: p.Ser647=; no amino-acid change (serine 647 retained).
Molecular consequence: synonymous variant.
Genome position (GRCh38, 1-based): chr3:123,709,757, T>G on the plus strand (A>C on the coding strand, the complement: MYLK is on the minus strand). VCF-style: chr3-123709757-T-G. GRCh37 (hg19) VCF-style: chr3-123428604-T-G.
Other names: c.1413A>C, p.Ser471= (NM_001321309.2); c.1734A>C, p.Ser578= (NM_053026.4, NM_053028.4); c.1941A>C, p.Ser647= (NM_053027.4).
Identifiers: ClinVar variation 1176788 (VCV001176788.39), dbSNP rs1241420717, ClinGen allele CA435304181.